The following is an entry in ClinVar:

ClinVar aggregate classification (germline): Uncertain significance (1 of 4 stars; one submission).

Conditions:
Hereditary cancer-predisposing syndrome. Also called: Tumor predisposition; Hereditary Cancer Syndrome; Hereditary neoplastic syndrome; Neoplastic Syndromes, Hereditary. Identifiers: Orphanet 140162, MedGen C0027672, MeSH D009386, MONDO:0015356.

Submission:

Ambry Genetics
Classification: Uncertain significance for Hereditary cancer-predisposing syndrome. Last evaluated: 2025-10-15. Review status: criteria provided, single submitter. Criteria: Ambry Variant Classification Scheme 2023. Collection method: clinical testing. Allele origin: germline.
Comment: The p.S905P variant (also known as c.2713T>C), located in coding exon 19 of the TSC1 gene, results from a T to C substitution at nucleotide position 2713. The serine at codon 905 is replaced by proline, an amino acid with similar properties. This amino acid position is conserved. In addition, the in silico prediction for this alteration is inconclusive. Based on the available evidence, the clinical significance of this variant remains unclear.

NM_000368.5(TSC1):c.2713T>C (p.Ser905Pro)

Gene: TSC1 (TSC complex subunit 1; minus strand). Cytogenetic location: 9q34.13.
Variant type: single nucleotide variant.
Coding change: c.2713T>C on transcript NM_000368.5 (MANE Select); coding-DNA position 2713, T replaced by C.
Protein change: p.Ser905Pro; replaces serine 905 with proline.
Molecular consequence: missense variant. On other transcripts: non-coding transcript variant (5).
Genome position (GRCh38, 1-based): chr9:132,897,523, A>G on the plus strand (T>C on the coding strand, the complement: TSC1 is on the minus strand). VCF-style: chr9-132897523-A-G. GRCh37 (hg19) VCF-style: chr9-135772910-A-G.
Other names: c.2710T>C, p.Ser904Pro (NM_001162426.2, NM_001406597.1, NM_001406598.1 and 2 more transcripts); c.2560T>C, p.Ser854Pro (NM_001162427.2, NM_001406610.1); c.2350T>C, p.Ser784Pro (NM_001362177.2, NM_001406614.1, NM_001406615.1 and 4 more transcripts); c.2713T>C, p.Ser905Pro (NM_001406592.1, NM_001406593.1, NM_001406594.1 and 2 more transcripts); c.2698T>C, p.Ser900Pro (NM_001406601.1, NM_001406602.1); c.2695T>C, p.Ser899Pro (NM_001406603.1, NM_001406604.1); c.2671T>C, p.Ser891Pro (NM_001406605.1, NM_001406606.1, NM_001406607.1); c.2668T>C, p.Ser890Pro (NM_001406608.1, NM_001406609.1); and 8 more; short protein forms S784P, S839P, S854P, S899P, S554P, S891P, S900P, S904P.
Identifiers: ClinVar variation 4554277 (VCV004554277.1).
Genomic context (GRCh38, chr9:132,897,523, plus strand): 5'-CCAAAAGAAGGTGGTCTTTCTTGGCCAGGTGAGATTCCAGTTCCAAAATCCGTTTTTGGG[A>G]GGTATCAAGCCTCTGAGTCTGCTGGAGAACATGGCTTCTGTTTTTTTCTAGCTCTTTCCG-3'
Protein context (NP_000359.1, residues 895-915): VLQQTQRLDT[Ser905Pro]QKRILELESH